The following is an entry in ClinVar:

ClinVar aggregate classification (germline): Uncertain significance (1 of 4 stars; one submission).

Submission:

GeneDx
Classification: Uncertain significance. Last evaluated: 2025-07-17. Review status: criteria provided, single submitter. Criteria: GeneDx Variant Classification Process June 2021. Collection method: clinical testing. Allele origin: germline. Affected: yes.
Comment: Not observed at significant frequency in large population cohorts (gnomAD); In silico analysis supports that this missense variant has a deleterious effect on protein structure/function; Has not been previously published as pathogenic or benign to our knowledge

NM_014795.4(ZEB2):c.2932G>C (p.Asp978His)

Gene: ZEB2 (zinc finger E-box binding homeobox 2; minus strand). Cytogenetic location: 2q22.3.
Variant type: single nucleotide variant.
Coding change: c.2932G>C on transcript NM_014795.4 (MANE Select); coding-DNA position 2932, G replaced by C.
Protein change: p.Asp978His; replaces aspartic acid 978 with histidine.
Molecular consequence: missense variant.
Genome position (GRCh38, 1-based): chr2:144,396,547, C>G on the plus strand (G>C on the coding strand, the complement: ZEB2 is on the minus strand). VCF-style: chr2-144396547-C-G. GRCh37 (hg19) VCF-style: chr2-145154114-C-G.
Other names: c.2860G>C, p.Asp954His (NM_001171653.2); short protein forms D954H, D978H.
Identifiers: ClinVar variation 4686384 (VCV004686384.1).